The following is an entry in ClinVar:

NM_003108.4(SOX11):c.262A>G (p.Lys88Glu)

Gene: SOX11 (SRY-box transcription factor 11; plus strand). Cytogenetic location: 2p25.2.
Variant type: single nucleotide variant.
Coding change: c.262A>G on transcript NM_003108.4 (MANE Select); coding-DNA position 262, A replaced by G.
Protein change: p.Lys88Glu; replaces lysine 88 with glutamic acid.
Molecular consequence: missense variant.
Genome position (GRCh38, 1-based): chr2:5,692,983, A>G. VCF-style: chr2-5692983-A-G. GRCh37 (hg19) VCF-style: chr2-5833115-A-G.
Other names: short protein forms K88E.
Identifiers: ClinVar variation 2302212 (VCV002302212.2), dbSNP rs2465087461, ClinGen allele CA345866316.
Genomic context (GRCh38, chr2:5,692,983, plus strand): 5'-ATGGAGCAGTCTCCGGACATGCACAACGCCGAGATCTCCAAGAGGCTGGGCAAGCGCTGG[A>G]AAATGCTGAAGGACAGCGAGAAGATCCCGTTCATCCGGGAGGCGGAGCGGCTGCGGCTCA-3'
Protein context (NP_003099.1, residues 78-98): EISKRLGKRW[Lys88Glu]MLKDSEKIPF

ClinVar aggregate classification (germline): Likely pathogenic (1 of 4 stars; one submission).

Conditions:
Inborn genetic diseases. Identifiers: MedGen C0950123, MeSH D030342.

Submission:

Ambry Genetics
Classification: Likely pathogenic for Inborn genetic diseases. Last evaluated: 2022-08-19. Review status: criteria provided, single submitter. Criteria: Ambry Variant Classification Scheme 2023. Collection method: clinical testing. Allele origin: germline.
Comment: The c.262A>G (p.K88E) alteration is located in exon 1 (coding exon 1) of the SOX11 gene. This alteration results from an A to G substitution at nucleotide position 262, causing the lysine (K) at amino acid position 88 to be replaced by a glutamic acid (E). This variant was not reported in population-based cohorts in the Genome Aggregation Database (gnomAD). This amino acid position is highly conserved in available vertebrate species. This missense alteration is located in a region that has a low rate of benign missense variation (Lek, 2016; Firth, 2009). Based on the available evidence, this alteration is classified as likely pathogenic.